The following is an entry in ClinVar:

NM_018180.3(DHX32):c.256G>A (p.Asp86Asn)

Gene: DHX32 (DEAH-box helicase 32 (putative); minus strand). Cytogenetic location: 10q26.2.
Variant type: single nucleotide variant.
Coding change: c.256G>A on transcript NM_018180.3 (MANE Select); coding-DNA position 256, G replaced by A.
Protein change: p.Asp86Asn; replaces aspartic acid 86 with asparagine.
Molecular consequence: missense variant.
Genome position (GRCh38, 1-based): chr10:125,880,569, C>T on the plus strand (G>A on the coding strand, the complement: DHX32 is on the minus strand). VCF-style: chr10-125880569-C-T. GRCh37 (hg19) VCF-style: chr10-127569138-C-T.
Other names: short protein forms D86N.
Identifiers: ClinVar variation 2049087 (VCV002049087.4), dbSNP rs776521553, ClinGen allele CA5739506.

ClinVar aggregate classification (germline): Uncertain significance (1 of 4 stars; one submission).

Allele frequency attached by ClinVar (database versions not stated): gnomAD 0.00002; TOPMed 0.00005; ExAC 0.00006.
gnomAD v4.1: 78 of 1,610,896 alleles (0.0048%); highest among the groups gnomAD compares: Admixed American, 0.0067%; no homozygotes.

Submission:

Labcorp Genetics (formerly Invitae), Labcorp
Classification: Uncertain significance. Last evaluated: 2025-11-20. Review status: criteria provided, single submitter. Criteria: Invitae Variant Classification Sherloc (09022015). Collection method: clinical testing. Allele origin: germline.
Comment: This sequence change replaces aspartic acid, which is acidic and polar, with asparagine, which is neutral and polar, at codon 86 of the DHX32 protein (p.Asp86Asn). This variant is present in population databases (rs776521553, gnomAD 0.01%). This variant has not been reported in the literature in individuals affected with DHX32-related conditions. ClinVar contains an entry for this variant (Variation ID: 2049087). An algorithm developed to predict the effect of missense changes on protein structure and function (PolyPhen-2) suggests that this variant is likely to be tolerated. In summary, the available evidence is currently insufficient to determine the role of this variant in disease. Therefore, it has been classified as a Variant of Uncertain Significance.